The following is an entry in ClinVar:

ClinVar aggregate classification (germline): Conflicting classifications of pathogenicity. Review status: criteria provided, conflicting classifications (1 of 4 stars). 2 submissions from 2 submitters: Uncertain significance (1); Likely benign (1). Last evaluated 2024-03-01.

Conditions:
Hereditary spastic paraplegia 11. Also called: Nakamura Osame syndrome; Autosomal recessive hereditary spastic paraplegia, mental impairment, and thin corpus callosum; SPASTIC PARAPLEGIA, AUTOSOMAL RECESSIVE, COMPLICATED, WITH THIN CORPUS CALLOSUM; SPASTIC PARAPLEGIA, AUTOSOMAL RECESSIVE, WITH MENTAL IMPAIRMENT AND THIN CORPUS CALLOSUM; Spastic Paraplegia 11; Spastic paraplegia, mental retardation and thin corpus callosum. Identifiers: Orphanet 2822, MedGen C1858479, MONDO:0011445, OMIM 604360.

Allele frequency attached by ClinVar (database versions not stated): gnomAD exomes 0.00001 and 0.00002; ExAC 0.00003; gnomAD 0.00006 and 0.00008; ESP Exome Variant Server 0.00008; TOPMed 0.00008.
gnomAD v4.1: 13 of 1,613,882 alleles (0.00081%); highest among the groups gnomAD compares: African/African-American, 0.016%; no homozygotes.

Submissions (2):

Athena Diagnostics
Classification: Uncertain significance. Last evaluated: 2024-03-01. Review status: criteria provided, single submitter. Criteria: Athena Diagnostics Criteria. Collection method: clinical testing. Allele origin: unknown.
Comment: Available data are insufficient to determine the clinical significance of the variant at this time. The frequency of this variant in the general population is uninformative in assessment of its pathogenicity. Computational tools predict that this variant is damaging.

Labcorp Genetics (formerly Invitae), Labcorp
Classification: Likely benign for Hereditary spastic paraplegia 11. Last evaluated: 2023-12-31. Review status: criteria provided, single submitter. Criteria: Invitae Variant Classification Sherloc (09022015). Collection method: clinical testing. Allele origin: germline.

NM_025137.4(SPG11):c.4093T>C (p.Cys1365Arg)

Gene: SPG11 (SPG11 vesicle trafficking associated, spatacsin; minus strand). Cytogenetic location: 15q21.1.
Variant type: single nucleotide variant.
Coding change: c.4093T>C on transcript NM_025137.4 (MANE Select); coding-DNA position 4093, T replaced by C.
Protein change: p.Cys1365Arg; replaces cysteine 1365 with arginine.
Molecular consequence: missense variant.
Genome position (GRCh38, 1-based): chr15:44,596,852, A>G on the plus strand (T>C on the coding strand, the complement: SPG11 is on the minus strand). VCF-style: chr15-44596852-A-G. GRCh37 (hg19) VCF-style: chr15-44889050-A-G.
Other names: c.4093T>C, p.Cys1365Arg (NM_001160227.2); short protein forms C1365R.
Identifiers: ClinVar variation 639914 (VCV000639914.9), dbSNP rs144695607, ClinGen allele CA7534763.